The following is an entry in ClinVar:

NM_021831.6(AGBL5):c.1678C>T (p.Arg560Ter)

Gene: AGBL5 (AGBL carboxypeptidase 5; plus strand). Cytogenetic location: 2p23.3.
Variant type: single nucleotide variant.
Coding change: c.1678C>T on transcript NM_021831.6 (MANE Select); coding-DNA position 1678, C replaced by T.
Protein change: p.Arg560Ter; replaces arginine 560 with a stop codon.
Molecular consequence: nonsense. On other transcripts: non-coding transcript variant (2).
Genome position (GRCh38, 1-based): chr2:27,058,406, C>T. VCF-style: chr2-27058406-C-T. GRCh37 (hg19) VCF-style: chr2-27281274-C-T.
Other names: c.1678C>T, p.Arg560Ter (NM_001035506.1, NM_001035507.3); short protein forms R560*.
Identifiers: ClinVar variation 1943801 (VCV001943801.5), dbSNP rs534435290, ClinGen allele CA346185998.

ClinVar aggregate classification (germline): Pathogenic (1 of 4 stars; one submission).

Submission:

Labcorp Genetics (formerly Invitae), Labcorp
Classification: Pathogenic. Last evaluated: 2023-12-19. Review status: criteria provided, single submitter. Criteria: Invitae Variant Classification Sherloc (09022015). Collection method: clinical testing. Allele origin: germline.
Comment: This sequence change creates a premature translational stop signal (p.Arg560*) in the AGBL5 gene. It is expected to result in an absent or disrupted protein product. Loss-of-function variants in AGBL5 are known to be pathogenic (PMID: 27764769, 27842159). This variant is not present in population databases (gnomAD no frequency). This variant has not been reported in the literature in individuals affected with AGBL5-related conditions. ClinVar contains an entry for this variant (Variation ID: 1943801). For these reasons, this variant has been classified as Pathogenic.

Literature cited by the submitters: PubMed 27764769; PubMed 27842159.